The following is an entry in ClinVar:

NM_015896.4(ZMYND10):c.967del (p.Gln323fs)

Gene: ZMYND10 (zinc finger MYND-type containing 10; minus strand). Cytogenetic location: 3p21.31.
Variant type: Deletion.
Coding change: c.967del on transcript NM_015896.4 (MANE Select); coding-DNA position 967, one base deleted (C; older notation c.967delC).
Protein change: p.Gln323fs; shifts the reading frame from glutamine 323.
Molecular consequence: frameshift variant.
Genome position (GRCh38, 1-based): chr3:50,342,047, G deleted on the plus strand (C on the coding strand, the reverse complement: ZMYND10 is on the minus strand); the first of 3 consecutive G bases (chr3:50,342,047-50,342,049); deleting any one gives the same sequence. VCF-style (leftmost placement, unchanged base first): chr3-50342046-TG-T. GRCh37 (hg19) VCF-style: chr3-50379477-TG-T.
Other names: c.952del, p.Gln318fs (NM_001308379.2); short protein forms Q318fs, Q323fs.
Identifiers: ClinVar variation 3255381 (VCV003255381.2), dbSNP rs2470920447.

ClinVar aggregate classification (germline): Likely pathogenic. Review status: criteria provided, single submitter (1 of 4 stars). 2 submissions from 1 submitter: Likely pathogenic (2). Last evaluated 2026-04-01.

Conditions:
Primary ciliary dyskinesia 22. Also called: CILIARY DYSKINESIA, PRIMARY, 22, WITH OR WITHOUT SITUS INVERSUS. Identifiers: Orphanet 244, MedGen C3809543, MONDO:0014192, OMIM 615444.
Primary ciliary dyskinesia. Also called: Ciliary dyskinesia. Identifiers: Orphanet 244, MedGen C0008780, MONDO:0016575, HP:0012265.

Submissions (2):

Department of Human Genetics, Hannover Medical School
Classification: Likely pathogenic for Primary Ciliary Dyskinesia. Last evaluated: 2026-04-01. Review status: criteria provided, single submitter. Criteria: ACMG Guidelines, 2015. Collection method: research. Allele origin: germline. Affected: yes.
Comment: Classification performed by HerediClassify using the following criteria:['PM2_supporting: Variant occures does not occur as homozygous in gnomAD.', 'PVS1_protein_strong: Transcript ENST00000231749 is not predicted to undergo NMD. Protein length change of 0.12954545454545452 observed.', "PP4_moderate: The PICADAR socre of 10.0 exceeds threshold of 8 achieving 'strong' evidence strength."]

Department of Human Genetics, Hannover Medical School
Classification: Likely pathogenic for Primary ciliary dyskinesia 22. Last evaluated: 2024-07-23. Review status: criteria provided, single submitter. Criteria: ACMG Guidelines, 2015. Collection method: clinical testing. Allele origin: germline. Inheritance: Autosomal recessive inheritance. Affected: yes.